The following is an entry in ClinVar:

NM_152296.5(ATP1A3):c.1564G>A (p.Glu522Lys)

Gene: ATP1A3 (ATPase Na+/K+ transporting subunit alpha 3; minus strand). Cytogenetic location: 19q13.2.
Variant type: single nucleotide variant.
Coding change: c.1564G>A on transcript NM_152296.5 (MANE Select); coding-DNA position 1564, G replaced by A.
Protein change: p.Glu522Lys; replaces glutamic acid 522 with lysine.
Molecular consequence: missense variant.
Genome position (GRCh38, 1-based): chr19:41,978,672, C>T on the plus strand (G>A on the coding strand, the complement: ATP1A3 is on the minus strand). VCF-style: chr19-41978672-C-T. GRCh37 (hg19) VCF-style: chr19-42482824-C-T.
Other names: c.1597G>A, p.Glu533Lys (NM_001256213.2); c.1603G>A, p.Glu535Lys (NM_001256214.2); short protein forms E522K, E533K, E535K.
Identifiers: ClinVar variation 856719 (VCV000856719.10), dbSNP rs782769181, ClinGen allele CA9467608.
Genomic context (GRCh38, chr19:41,978,672, plus strand): 5'-CGCGCTCGCCCAGGCCACCGAGCTCAAGGTAGGCATTCTGGAAGGCCTCCTTCATTTCCT[C>T]GTCCAGAGGCTGCTCCTTGCCCTGTAGCAGGATGGTGGAGCAGCGGTCCAGGATGCGCTC-3'
Protein context (NP_689509.1, residues 512-532): LLQGKEQPLD[Glu522Lys]EMKEAFQNAY

ClinVar aggregate classification (germline): Uncertain significance. Review status: criteria provided, multiple submitters, no conflicts (2 of 4 stars). 2 submissions from 2 submitters: Uncertain significance (2). Last evaluated 2025-05-29.

Conditions:
Dystonia 12 (DYT12). Also called: Rapid-Onset Dystonia-Parkinsonism (RDP); DYT-ATP1A3. Identifiers: Orphanet 71517, MedGen C1868681, MONDO:0007496, OMIM 128235.

Allele frequency attached by ClinVar (database versions not stated): gnomAD exomes below 0.00001 and 0.00001; ExAC 0.00001.
gnomAD v4.1: 15 of 1,614,132 alleles (0.00093%); highest among the groups gnomAD compares: South Asian, 0.0044%; no homozygotes.

Submissions (2):

Women's Health and Genetics/Laboratory Corporation of America, LabCorp
Classification: Uncertain significance. Last evaluated: 2025-05-29. Review status: criteria provided, single submitter. Criteria: LabCorp Variant Classification Summary - May 2015. Collection method: clinical testing. Allele origin: germline.
Comment: Variant summary: ATP1A3 c.1564G>A (p.Glu522Lys) results in a conservative amino acid change in the encoded protein sequence. Algorithms developed to predict the effect of missense changes on protein structure and function are either unavailable or do not agree on the potential impact of this missense change. The variant allele was found at a frequency of 4e-06 in 251408 control chromosomes. The available data on variant occurrences in the general population are insufficient to allow any conclusion about variant significance. To our knowledge, no occurrence of c.1564G>A in individuals affected with ATP1A3-Related Disorders and no experimental evidence demonstrating its impact on protein function have been reported. ClinVar contains an entry for this variant (Variation ID: 856719). Based on the evidence outlined above, the variant was classified as uncertain significance.

Labcorp Genetics (formerly Invitae), Labcorp
Classification: Uncertain significance for Dystonia 12. Last evaluated: 2025-03-30. Review status: criteria provided, single submitter. Criteria: Invitae Variant Classification Sherloc (09022015). Collection method: clinical testing. Allele origin: germline.
Comment: This sequence change replaces glutamic acid, which is acidic and polar, with lysine, which is basic and polar, at codon 522 of the ATP1A3 protein (p.Glu522Lys). This variant is present in population databases (rs782769181, gnomAD 0.003%). This variant has not been reported in the literature in individuals affected with ATP1A3-related conditions. ClinVar contains an entry for this variant (Variation ID: 856719). Invitae Evidence Modeling of protein sequence and biophysical properties (such as structural, functional, and spatial information, amino acid conservation, physicochemical variation, residue mobility, and thermodynamic stability) has been performed for this missense variant. However, the output from this modeling did not meet the statistical confidence thresholds required to predict the impact of this variant on ATP1A3 protein function. In summary, the available evidence is currently insufficient to determine the role of this variant in disease. Therefore, it has been classified as a Variant of Uncertain Significance.